The following is an entry in ClinVar:

ClinVar aggregate classification (germline): Likely pathogenic (1 of 4 stars; one submission).

Conditions:
Myopathy, proximal, and ophthalmoplegia (CMYO6). Also called: MYOPATHY WITH CONGENITAL JOINT CONTRACTURES, OPHTHALMOPLEGIA, AND RIMMED VACUOLES; INCLUSION BODY MYOPATHY 3, AUTOSOMAL DOMINANT; CONGENITAL MYOPATHY 6 WITH OPHTHALMOPLEGIA. Identifiers: Orphanet 363677, Orphanet 79091, MedGen C1854106, MONDO:0011577, OMIM 605637.

Submission:

Labcorp Genetics (formerly Invitae), Labcorp
Classification: Likely pathogenic for Myopathy, proximal, and ophthalmoplegia. Last evaluated: 2025-02-23. Review status: criteria provided, single submitter. Criteria: Invitae Variant Classification Sherloc (09022015). Collection method: clinical testing. Allele origin: germline.
Comment: This sequence change affects a donor splice site in intron 21 of the MYH2 gene. It is expected to disrupt RNA splicing. Variants that disrupt the donor or acceptor splice site typically lead to a loss of protein function (PMID: 16199547), and loss-of-function variants in MYH2 are known to be pathogenic (PMID: 20418530, 23388406, 24193343). This variant is present in population databases (rs775668584, gnomAD 0.0009%). This variant has not been reported in the literature in individuals affected with MYH2-related conditions. Algorithms developed to predict the effect of sequence changes on RNA splicing suggest that this variant may disrupt the consensus splice site. In summary, the currently available evidence indicates that the variant is pathogenic, but additional data are needed to prove that conclusively. Therefore, this variant has been classified as Likely Pathogenic.

Literature cited by the submitters: PubMed 16199547; PubMed 20418530; PubMed 23388406; PubMed 24193343.

NM_017534.6(MYH2):c.2441+1G>T

Genes: MYH2 (myosin heavy chain 2; minus strand), MYHAS (myosin heavy chain gene cluster antisense RNA; plus strand). Cytogenetic location: 17p13.1.
Variant type: single nucleotide variant.
Coding change: c.2441+1G>T on transcript NM_017534.6 (MANE Select); the canonical splice donor site of the intron after coding-DNA position 2441, G replaced by T.
Molecular consequence: splice donor variant.
Genome position (GRCh38, 1-based): chr17:10,533,284, C>A on the plus strand (G>T on the coding strand, the complement: MYH2 is on the minus strand). VCF-style: chr17-10533284-C-A. GRCh37 (hg19) VCF-style: chr17-10436601-C-A.
Other names: c.2441+1G>T (NM_001100112.2).
Identifiers: ClinVar variation 4806795 (VCV004806795.1).
Genomic context (GRCh38, chr17:10,533,284, plus strand): 5'-TGTAAGCCATTTCAAATATGTTTTTGAAGATGGAATATGTGAATAAACATATTTTTTATA[C>A]CTTCTCTCCACCATCCTCTGGTACTCCACTCTTGCCAAGAACCCTCTGCACCTGGCCTGG-3'